The following is an entry in ClinVar:

NM_001348323.3(TRIP12):c.371G>A (p.Arg124Lys)

Gene: TRIP12 (thyroid hormone receptor interactor 12; minus strand). Cytogenetic location: 2q36.3.
Variant type: single nucleotide variant.
Coding change: c.371G>A on transcript NM_001348323.3 (MANE Select); coding-DNA position 371, G replaced by A.
Protein change: p.Arg124Lys; replaces arginine 124 with lysine.
Molecular consequence: missense variant. On other transcripts: intron variant (1).
Genome position (GRCh38, 1-based): chr2:229,859,428, C>T on the plus strand (G>A on the coding strand, the complement: TRIP12 is on the minus strand). VCF-style: chr2-229859428-C-T. GRCh37 (hg19) VCF-style: chr2-230724144-C-T.
Other names: c.371G>A, p.Arg124Lys (NM_001284214.2, NM_001348315.2, NM_001348319.1 and 15 more transcripts); c.245G>A, p.Arg82Lys (NM_001284215.2, NM_001348316.2, NM_001348317.1 and 3 more transcripts); c.98+20554G>A (NM_001284216.2); short protein forms R124K, R82K.
Identifiers: ClinVar variation 1804347 (VCV001804347.2), dbSNP rs2475980675, ClinGen allele CA350898941.

ClinVar aggregate classification (germline): Uncertain significance (1 of 4 stars; one submission).

Submission:

GeneDx
Classification: Uncertain significance. Last evaluated: 2024-01-02. Review status: criteria provided, single submitter. Criteria: GeneDx Variant Classification Process June 2021. Collection method: clinical testing. Allele origin: germline.
Comment: Not observed at significant frequency in large population cohorts (gnomAD); In silico analysis supports that this missense variant has a deleterious effect on protein structure/function; Has not been previously published as pathogenic or benign to our knowledge